The following is an entry in ClinVar:

ClinVar aggregate classification (germline): Uncertain significance (1 of 4 stars; one submission).

gnomAD v4.1: 2 of 1,011,084 alleles (0.0002%); highest among the groups gnomAD compares: South Asian, 0.0031%; no homozygotes.

Submission:

Labcorp Genetics (formerly Invitae), Labcorp
Classification: Uncertain significance. Last evaluated: 2024-04-03. Review status: criteria provided, single submitter. Criteria: Invitae Variant Classification Sherloc (09022015). Collection method: clinical testing. Allele origin: germline.
Comment: This sequence change replaces glycine, which is neutral and non-polar, with aspartic acid, which is acidic and polar, at codon 10 of the CTBP1 protein (p.Gly10Asp). The frequency data for this variant in the population databases is considered unreliable, as metrics indicate insufficient coverage at this position in the gnomAD database. This variant has not been reported in the literature in individuals affected with CTBP1-related conditions. An algorithm developed to predict the effect of missense changes on protein structure and function (PolyPhen-2) suggests that this variant is likely to be tolerated. In summary, the available evidence is currently insufficient to determine the role of this variant in disease. Therefore, it has been classified as a Variant of Uncertain Significance.

NM_001012614.2(CTBP1):c.-200G>A

Genes: CTBP1 (C-terminal binding protein 1; minus strand), LOC129991984 (ATAC-STARR-seq lymphoblastoid silent region 15125; plus strand). Cytogenetic location: 4p16.3.
Variant type: single nucleotide variant.
Coding change: c.-200G>A on transcript NM_001012614.2 (MANE Select); 200 bases upstream of the start codon, G replaced by A.
Molecular consequence: 5 prime UTR variant. On other transcripts: missense variant (2), intron variant (4).
Genome position (GRCh38, 1-based): chr4:1,248,927, C>T on the plus strand (G>A on the coding strand, the complement: CTBP1 is on the minus strand). VCF-style: chr4-1248927-C-T. GRCh37 (hg19) VCF-style: chr4-1242715-C-T.
Other names: c.29G>A, p.Gly10Asp (NM_001328.3, NM_001377186.1); c.-200G>A (NM_001377187.1); c.-189+1233G>A (NM_001377192.1, NM_001377189.1); c.-189+722G>A (NM_001377193.1, NM_001377190.1); short protein forms G10D.
Identifiers: ClinVar variation 3680481 (VCV003680481.2).